The following is an entry in ClinVar:

NM_001165963.4(SCN1A):c.4018C>G (p.Leu1340Val)

Genes: SCN1A (sodium voltage-gated channel alpha subunit 1; minus strand), LOC102724058 (uncharacterized LOC102724058; plus strand). Cytogenetic location: 2q24.3.
Variant type: single nucleotide variant.
Coding change: c.4018C>G on transcript NM_001165963.4 (MANE Select); coding-DNA position 4018, C replaced by G.
Protein change: p.Leu1340Val; replaces leucine 1340 with valine.
Molecular consequence: missense variant. On other transcripts: non-coding transcript variant (1).
Genome position (GRCh38, 1-based): chr2:166,002,738, G>C on the plus strand (C>G on the coding strand, the complement: SCN1A is on the minus strand). VCF-style: chr2-166002738-G-C. GRCh37 (hg19) VCF-style: chr2-166859248-G-C.
Other names: c.3982C>G, p.Leu1328Val (NM_001353954.2, NM_001353955.2); c.3934C>G, p.Leu1312Val (NM_001353957.2, NM_001353958.2, NM_001165964.3); c.3931C>G, p.Leu1311Val (NM_001353960.2); c.1576C>G, p.Leu526Val (NM_001353961.2); c.3985C>G, p.Leu1329Val (NM_006920.6, NM_001353949.2, NM_001353950.2 and 2 more transcripts); c.4018C>G, p.Leu1340Val (NM_001202435.3, NM_001353948.2); short protein forms L1311V, L1312V, L1328V, L1329V, L1340V, L526V.
Identifiers: ClinVar variation 1308113 (VCV001308113.4), dbSNP rs2105510551, ClinGen allele CA349050829.

ClinVar aggregate classification (germline): Uncertain significance. Review status: criteria provided, multiple submitters, no conflicts (2 of 4 stars). 2 submissions from 2 submitters: Uncertain significance (2). Last evaluated 2024-09-21.

Conditions:
Early-infantile DEE. Also called: Early infantile epileptic encephalopathy; Early infantile epileptic encephalopathy with suppression bursts; Ohtahara syndrome. Identifiers: Orphanet 1934, MedGen C0393706, MONDO:0800491.

gnomAD v4.1: 1 of 1,608,918 alleles (0.000062%); highest among the groups gnomAD compares: Non-Finnish European, 0.000085%; no homozygotes.

Submissions (2):

Labcorp Genetics (formerly Invitae), Labcorp
Classification: Uncertain significance for Early-infantile DEE. Last evaluated: 2024-09-21. Review status: criteria provided, single submitter. Criteria: Invitae Variant Classification Sherloc (09022015). Collection method: clinical testing. Allele origin: germline.
Comment: This sequence change replaces leucine, which is neutral and non-polar, with valine, which is neutral and non-polar, at codon 1340 of the SCN1A protein (p.Leu1340Val). This variant is not present in population databases (gnomAD no frequency). This variant has not been reported in the literature in individuals affected with SCN1A-related conditions. ClinVar contains an entry for this variant (Variation ID: 1308113). Invitae Evidence Modeling of protein sequence and biophysical properties (such as structural, functional, and spatial information, amino acid conservation, physicochemical variation, residue mobility, and thermodynamic stability) indicates that this missense variant is expected to disrupt SCN1A protein function with a positive predictive value of 95%. In summary, the available evidence is currently insufficient to determine the role of this variant in disease. Therefore, it has been classified as a Variant of Uncertain Significance.

GeneDx
Classification: Uncertain significance. Last evaluated: 2019-09-12. Review status: criteria provided, single submitter. Criteria: GeneDx Variant Classification Process June 2021. Collection method: clinical testing. Allele origin: germline. Affected: yes.
Comment: Not observed in large population cohorts (Lek et al., 2016); The majority of missense variants in this gene are considered pathogenic (Stenson et al., 2014); In silico analysis, which includes protein predictors and evolutionary conservation, supports a deleterious effect; Has not been previously published as pathogenic or benign to our knowledge; This substitution is predicted to be within the intracellular loop between the S4 and S5 transmembrane segments of the third homologous domain; Missense variants in nearby residues reported in the Human Gene Mutation Database (Stenson et al., 2014)